The following is an entry in ClinVar:

NM_014112.5(TRPS1):c.2795C>T (p.Ala932Val)

Gene: TRPS1 (transcriptional repressor GATA binding 1; minus strand). Cytogenetic location: 8q23.3.
Variant type: single nucleotide variant.
Coding change: c.2795C>T on transcript NM_014112.5 (MANE Select); coding-DNA position 2795, C replaced by T.
Protein change: p.Ala932Val; replaces alanine 932 with valine.
Molecular consequence: missense variant.
Genome position (GRCh38, 1-based): chr8:115,418,358, G>A on the plus strand (C>T on the coding strand, the complement: TRPS1 is on the minus strand). VCF-style: chr8-115418358-G-A. GRCh37 (hg19) VCF-style: chr8-116430586-G-A.
Other names: c.2768C>T, p.Ala923Val (NM_001282902.3); c.2774C>T, p.Ala925Val (NM_001282903.3); c.2756C>T, p.Ala919Val (NM_001330599.2); short protein forms A932V, A925V, A923V.
Identifiers: ClinVar variation 5578 (VCV000005578.57), dbSNP rs121908436, ClinGen allele CA117616.

ClinVar aggregate classification (germline): Pathogenic. Review status: criteria provided, multiple submitters, no conflicts (2 of 4 stars). 8 submissions from 8 submitters: Pathogenic (5). 3 of the submissions do not count toward it. Last evaluated 2026-01-20.

Conditions:
TRPS1-related disorder. Also called: TRPS1-related condition.
Congenital anomaly of kidney and urinary tract. Also called: Congenital anomalies of the kidney and urinary tract; Congenital anomalies of kidney and urinary tract. Identifiers: Orphanet 93545, MedGen C1968949, MeSH C566906, MONDO:0019719.
Multiple congenital anomalies/dysmorphic syndrome-intellectual disability. Identifiers: Orphanet 102283, MedGen C5680372, MONDO:0015159.
Trichorhinophalangeal dysplasia type I (TRPS1). Also called: TRPS I; TRICHORHINOPHALANGEAL SYNDROME, TYPE I. Identifiers: Orphanet 77258, MedGen C0432233, MONDO:0008596, OMIM 190350.
Trichorhinophalangeal syndrome, type III (TRPS3). Also called: SUGIO-KAJII SYNDROME. Identifiers: Orphanet 77258, MedGen C1860823, OMIM 190351, MONDO:0008597.

Submissions (8):

Labcorp Genetics (formerly Invitae), Labcorp
Classification: Pathogenic for Trichorhinophalangeal syndrome, type III; Trichorhinophalangeal dysplasia type I. Last evaluated: 2026-01-20. Review status: criteria provided, single submitter. Criteria: Invitae Variant Classification Sherloc (09022015). Collection method: clinical testing. Allele origin: germline.
Comment: This sequence change replaces alanine, which is neutral and non-polar, with valine, which is neutral and non-polar, at codon 932 of the TRPS1 protein (p.Ala932Val). This variant is not present in population databases (gnomAD no frequency). This missense change has been observed in individuals with tricho-rhino-phalangeal syndrome (PMID: 18946009, 24502542). It has also been observed to segregate with disease in related individuals. ClinVar contains an entry for this variant (Variation ID: 5578). Invitae Evidence Modeling of protein sequence and biophysical properties (such as structural, functional, and spatial information, amino acid conservation, physicochemical variation, residue mobility, and thermodynamic stability) indicates that this missense variant is expected to disrupt TRPS1 protein function with a positive predictive value of 80%. This variant disrupts the p.Ala932 amino acid residue in TRPS1. Other variant(s) that disrupt this residue have been determined to be pathogenic (PMID: 11112658, 30541476). This suggests that this residue is clinically significant, and that variants that disrupt this residue are likely to be disease-causing. For these reasons, this variant has been classified as Pathogenic.

CeGaT Center for Human Genetics Tuebingen
Classification: Pathogenic. Last evaluated: 2023-12-01. Review status: criteria provided, single submitter. Criteria: CeGaT Center For Human Genetics Tuebingen Variant Classification Criteria Version 2. Collection method: clinical testing. Allele origin: germline. Affected: yes. Observed: 2 variant alleles.
Comment: TRPS1: PM1, PM2, PM5, PS2:Moderate, PS4:Moderate, PP3

GeneDx
Classification: Pathogenic. Last evaluated: 2022-08-24. Review status: criteria provided, single submitter. Criteria: GeneDx Variant Classification Process June 2021. Collection method: clinical testing. Allele origin: germline. Affected: yes.
Comment: Not observed at significant frequency in large population cohorts (gnomAD); In silico analysis supports that this missense variant does not alter protein structure/function; This variant is associated with the following publications: (PMID: 27706911, 25792522, 24502542, 18946009, 11950061, 28468609, 30541476, 30143558, 28426188)

Blueprint Genetics
Classification: Pathogenic for TRPS1-related disorders. Last evaluated: 2022-07-01. Review status: criteria provided, single submitter. Criteria: ACMG Guidelines, 2015. Collection method: clinical testing. Allele origin: germline. Affected: yes. Observed: 1 variant allele.

AURAGEN, Plan France Médecine Génomique
Classification: Pathogenic for Multiple congenital anomalies/dysmorphic syndrome-intellectual disability. Last evaluated: 2021-03-04. Review status: criteria provided, single submitter. Criteria: PFMG2025 (Lancet Reg Health Eur. 2025). Collection method: clinical testing. Allele origin: germline. Affected: yes.

Yale Center for Mendelian Genomics, Yale University
Classification: Likely pathogenic for Congenital anomaly of kidney and urinary tract. Last evaluated: 2018-08-24. Review status: no assertion criteria provided. Collection method: literature only. Allele origin: germline. Affected: yes. Observed: 1 heterozygote. Study: Yale Center for Mendelian Genomics. Not counted in ClinVar's aggregate classification.

OMIM
Classification: Pathogenic for TRICHORHINOPHALANGEAL SYNDROME, TYPE III. Last evaluated: 2002-01-01. Review status: no assertion criteria provided. Collection method: literature only. Allele origin: germline. Not counted in ClinVar's aggregate classification.

GeneReviews
No classification provided. Condition: Trichorhinophalangeal dysplasia type I. Review status: no classification provided. Collection method: literature only. Allele origin: germline. Not counted in ClinVar's aggregate classification.

Literature cited by the submitters: PubMed 18946009 (cited by Labcorp Genetics (formerly Invitae), Labcorp); PubMed 24502542 (cited by Labcorp Genetics (formerly Invitae), Labcorp); PubMed 11112658 (cited by Labcorp Genetics (formerly Invitae), Labcorp); PubMed 30541476 (cited by Labcorp Genetics (formerly Invitae), Labcorp); PubMed 30143558 (cited by Yale Center for Mendelian Genomics, Yale University); PubMed 11950061 (cited by OMIM); PubMed 25792522 (cited by GeneReviews); NCBI Bookshelf NBK425926 (cited by GeneReviews).